The following is an entry in ClinVar:

NM_001347721.2(DYRK1A):c.2134C>A (p.Gln712Lys)

Gene: DYRK1A (dual specificity tyrosine phosphorylation regulated kinase 1A; plus strand). Cytogenetic location: 21q22.13.
Variant type: single nucleotide variant.
Coding change: c.2134C>A on transcript NM_001347721.2 (MANE Select); coding-DNA position 2134, C replaced by A.
Protein change: p.Gln712Lys; replaces glutamine 712 with lysine.
Molecular consequence: missense variant. On other transcripts: 3 prime UTR variant (2).
Genome position (GRCh38, 1-based): chr21:37,512,400, C>A. VCF-style: chr21-37512400-C-A. GRCh37 (hg19) VCF-style: chr21-38884703-C-A.
Other names: c.2134C>A, p.Gln712Lys (NM_130436.2, NM_001347722.2); c.*446C>A (NM_130438.2); c.2047C>A, p.Gln683Lys (NM_001347723.2); c.2161C>A, p.Gln721Lys (NM_001396.5); c.*537C>A (NM_101395.2); short protein forms Q683K, Q712K, Q721K.
Identifiers: ClinVar variation 3690329 (VCV003690329.2).

ClinVar aggregate classification (germline): Uncertain significance (1 of 4 stars; one submission).

Conditions:
DYRK1A-related intellectual disability syndrome (MRD7). Also called: DYRK1A Syndrome; Intellectual developmental disorder, autosomal dominant 7. Identifiers: Orphanet 464306, MedGen C5568143, MONDO:0013578, OMIM 614104.

Submission:

Labcorp Genetics (formerly Invitae), Labcorp
Classification: Uncertain significance for DYRK1A-related intellectual disability syndrome. Last evaluated: 2024-02-15. Review status: criteria provided, single submitter. Criteria: Invitae Variant Classification Sherloc (09022015). Collection method: clinical testing. Allele origin: germline.
Comment: This sequence change replaces glutamine, which is neutral and polar, with lysine, which is basic and polar, at codon 721 of the DYRK1A protein (p.Gln721Lys). This variant is not present in population databases (gnomAD no frequency). This variant has not been reported in the literature in individuals affected with DYRK1A-related conditions. An algorithm developed to predict the effect of missense changes on protein structure and function (PolyPhen-2) suggests that this variant is likely to be tolerated. In summary, the available evidence is currently insufficient to determine the role of this variant in disease. Therefore, it has been classified as a Variant of Uncertain Significance.